The following is an entry in ClinVar:

NM_020832.3(ZNF687):c.1448G>A (p.Ser483Asn)

Gene: ZNF687 (zinc finger protein 687; plus strand). Cytogenetic location: 1q21.3.
Variant type: single nucleotide variant.
Coding change: c.1448G>A on transcript NM_020832.3 (MANE Select); coding-DNA position 1448, G replaced by A.
Protein change: p.Ser483Asn; replaces serine 483 with asparagine.
Molecular consequence: missense variant.
Genome position (GRCh38, 1-based): chr1:151,287,739, G>A. VCF-style: chr1-151287739-G-A. GRCh37 (hg19) VCF-style: chr1-151260215-G-A.
Other names: c.1448G>A (NM_020832.1); c.1448G>A, p.Ser483Asn (NM_001304763.2, NM_001304764.2); short protein forms S483N.
Identifiers: ClinVar variation 2969948 (VCV002969948.4), dbSNP rs768369896, ClinGen allele CA1088331.
Genomic context (GRCh38, chr1:151,287,739, plus strand): 5'-AGAAGGTGAATGGTGCCTCGGTGGTGATGGTGCAACCTTCAAAGACAGCTACTGGGCCAA[G>A]TACAGGGGGCGGCACAGTGATATCACGGACCCAGTCCAGCCTGGTGGAGGCCTTCAACAA-3'
Protein context (NP_065883.1, residues 473-493): VQPSKTATGP[Ser483Asn]TGGGTVISRT

ClinVar aggregate classification (germline): Uncertain significance. Review status: criteria provided, multiple submitters, no conflicts (2 of 4 stars). 2 submissions from 2 submitters: Uncertain significance (2). Last evaluated 2024-11-25.

Allele frequency attached by ClinVar (database versions not stated): gnomAD 0.00003; ExAC 0.00004; TOPMed 0.00005.
gnomAD v4.1: 16 of 1,613,934 alleles (0.00099%); highest among the groups gnomAD compares: East Asian, 0.033%; no homozygotes.

Submissions (2):

Labcorp Genetics (formerly Invitae), Labcorp
Classification: Uncertain significance. Last evaluated: 2024-11-25. Review status: criteria provided, single submitter. Criteria: Invitae Variant Classification Sherloc (09022015). Collection method: clinical testing. Allele origin: germline.
Comment: This sequence change replaces serine, which is neutral and polar, with asparagine, which is neutral and polar, at codon 483 of the ZNF687 protein (p.Ser483Asn). This variant is present in population databases (rs768369896, gnomAD 0.06%). This variant has not been reported in the literature in individuals affected with ZNF687-related conditions. ClinVar contains an entry for this variant (Variation ID: 2969948). An algorithm developed to predict the effect of missense changes on protein structure and function (PolyPhen-2) suggests that this variant is likely to be tolerated. In summary, the available evidence is currently insufficient to determine the role of this variant in disease. Therefore, it has been classified as a Variant of Uncertain Significance.

Ambry Genetics
Classification: Uncertain significance. Last evaluated: 2024-02-13. Review status: criteria provided, single submitter. Criteria: Ambry Variant Classification Scheme 2023. Collection method: clinical testing. Allele origin: germline.